The following is an entry in ClinVar:

NM_000043.6(FAS):c.687G>C (p.Leu229Phe)

Gene: FAS (Fas cell surface death receptor; plus strand). Cytogenetic location: 10q23.31.
Variant type: single nucleotide variant.
Coding change: c.687G>C on transcript NM_000043.6 (MANE Select); coding-DNA position 687, G replaced by C.
Protein change: p.Leu229Phe; replaces leucine 229 with phenylalanine.
Molecular consequence: missense variant. On other transcripts: 3 prime UTR variant (1), stop lost (1), non-coding transcript variant (7).
Genome position (GRCh38, 1-based): chr10:89,014,129, G>C. VCF-style: chr10-89014129-G-C. GRCh37 (hg19) VCF-style: chr10-90773886-G-C.
Other names: c.*10G>C (NM_001320619.2); c.732G>C, p.Leu244Phe (NM_001410956.1); c.624G>C, p.Leu208Phe (NM_152871.4); c.662G>C, p.Ter221Ser (NM_152872.4); short protein forms L244F, L208F, L229F.
Identifiers: ClinVar variation 4695084 (VCV004695084.1).

ClinVar aggregate classification (germline): Uncertain significance (1 of 4 stars; one submission).

Conditions:
Autoimmune lymphoproliferative syndrome type 1. Also called: AUTOIMMUNE LYMPHOPROLIFERATIVE SYNDROME, TYPE I, AUTOSOMAL DOMINANT. Identifiers: Orphanet 3261, MedGen C2717884, MONDO:0011158, OMIM 601859.

gnomAD v4.1: 3 of 1,613,408 alleles (0.00019%); highest among the groups gnomAD compares: East Asian, 0.0022%; no homozygotes.

Submission:

Labcorp Genetics (formerly Invitae), Labcorp
Classification: Uncertain significance for Autoimmune lymphoproliferative syndrome. Last evaluated: 2025-03-16. Review status: criteria provided, single submitter. Criteria: Invitae Variant Classification Sherloc (09022015). Collection method: clinical testing. Allele origin: germline.
Comment: This sequence change replaces leucine, which is neutral and non-polar, with phenylalanine, which is neutral and non-polar, at codon 229 of the FAS protein (p.Leu229Phe). This variant is present in population databases (rs762719406, gnomAD 0.006%). This missense change has been observed in individual(s) with autoimmune lymphoproliferative syndrome (PMID: 31402412). An algorithm developed to predict the effect of missense changes on protein structure and function outputs the following: PolyPhen-2: "Possibly Damaging". The phenylalanine amino acid residue is found in multiple mammalian species, which suggests that this missense change does not adversely affect protein function. In summary, the available evidence is currently insufficient to determine the role of this variant in disease. Therefore, it has been classified as a Variant of Uncertain Significance.

Literature cited by the submitters: PubMed 31402412.